The following is an entry in ClinVar:

ClinVar aggregate classification (germline): Pathogenic (1 of 4 stars; one submission).

Submission:

Labcorp Genetics (formerly Invitae), Labcorp
Classification: Pathogenic. Last evaluated: 2020-12-12. Review status: criteria provided, single submitter. Criteria: Invitae Variant Classification Sherloc (09022015). Collection method: clinical testing. Allele origin: germline.
Comment: This variant is a gross deletion of the genomic region encompassing exon(s) 5 of the HPS3 gene. This deletion is out-of-frame, and is expected to create a premature translational stop signal and result in an absent or disrupted protein product. Loss-of-function variants in HPS3 are known to be pathogenic (PMID: 11590544). For these reasons, this variant has been classified as Pathogenic. This variant has not been reported in the literature in individuals with HPS3-related conditions.

Literature cited by the submitters: PubMed 11590544.

NC_000003.11:g.(?_148863121)_(148863353_?)del

Gene: HPS3 (HPS3 biogenesis of lysosomal organelles complex 2 subunit 1; plus strand). Cytogenetic location: 3q24.
Variant type: Deletion.
Identifiers: ClinVar variation 1458482 (VCV001458482.6).